The following is an entry in ClinVar:

NM_001110556.2(FLNA):c.1356C>T (p.Gly452=)

Gene: FLNA (filamin A; minus strand). Cytogenetic location: Xq28.
Variant type: single nucleotide variant.
Coding change: c.1356C>T on transcript NM_001110556.2 (MANE Select); coding-DNA position 1356, C replaced by T.
Protein change: p.Gly452=; no amino-acid change (glycine 452 retained).
Molecular consequence: synonymous variant.
Genome position (GRCh38, 1-based): chrX:154,366,097, G>A on the plus strand (C>T on the coding strand, the complement: FLNA is on the minus strand). VCF-style: chrX-154366097-G-A. GRCh37 (hg19) VCF-style: chrX-153594465-G-A.
Other names: p.Gly452=; c.1356C>T, p.Gly452= (NM_001456.4).
Identifiers: ClinVar variation 413403 (VCV000413403.21), dbSNP rs782437864, ClinGen allele CA10561202.

ClinVar aggregate classification (germline): Likely benign. Review status: criteria provided, multiple submitters, no conflicts (2 of 4 stars). 6 submissions from 6 submitters: Likely benign (6). Last evaluated 2026-01-27.

Conditions:
Oto-palato-digital syndrome, type II (OPD2). Also called: OPD II SYNDROME; FACIOPALATOOSSEOUS SYNDROME; Otopalatodigital Syndrome Type 2 (FLNA-OPD2); Otopalatodigital Syndrome, Type II. Identifiers: Orphanet 669, Orphanet 90652, MedGen C1844696, MONDO:0010571, OMIM 304120.
Melnick-Needles syndrome (MNS). Also called: MELNICK-NEEDLES OSTEODYSPLASTY; OSTEODYSPLASTY OF MELNICK AND NEEDLES; Melnick-Needles Syndrome (FLNA-MNS). Identifiers: Orphanet 2484, MedGen C0025237, MONDO:0010650, OMIM 309350.
Frontometaphyseal dysplasia (FMD1). Identifiers: Orphanet 1826, MedGen C0265293, MONDO:0015942.
Heterotopia, periventricular, X-linked dominant (PVNH1). Also called: PERIVENTRICULAR NODULAR HETEROTOPIA 1; PERIVENTRICULAR NODULAR HETEROTOPIA 4; HETEROTOPIA, PERIVENTRICULAR, 1; X-linked periventricular heterotopia. Identifiers: Orphanet 2149, Orphanet 82004, MedGen C1848213, MONDO:0010233, OMIM 300049.
Familial thoracic aortic aneurysm and aortic dissection (TAAD). Also called: Thoracic aortic aneurysms and dissections. Identifiers: Orphanet 91387, MedGen C4707243, MONDO:0019625.

Allele frequency attached by ClinVar (database versions not stated): ExAC 0.00001; gnomAD exomes 0.00002; TOPMed 0.00005; gnomAD 0.00011 and 0.00012.
gnomAD v4.1: 36 of 1,209,048 alleles (0.003%); highest among the groups gnomAD compares: Admixed American, 0.0087%; no homozygotes.

Submissions (6):

Labcorp Genetics (formerly Invitae), Labcorp
Classification: Likely benign for Oto-palato-digital syndrome, type II; Heterotopia, periventricular, X-linked dominant; Frontometaphyseal dysplasia; Melnick-Needles syndrome. Last evaluated: 2026-01-27. Review status: criteria provided, single submitter. Criteria: Invitae Variant Classification Sherloc (09022015). Collection method: clinical testing. Allele origin: germline.

Mayo Clinic Laboratories, Mayo Clinic
Classification: Likely benign. Last evaluated: 2025-08-07. Review status: criteria provided, single submitter. Criteria: ACMG Guidelines, 2015. Collection method: clinical testing. Allele origin: germline. Observed: 2 variant alleles.
Comment: BS2, BP4, BP7

Women's Health and Genetics/Laboratory Corporation of America, LabCorp
Classification: Likely benign. Last evaluated: 2025-06-16. Review status: criteria provided, single submitter. Criteria: LabCorp Variant Classification Summary - May 2015. Collection method: clinical testing. Allele origin: germline.

GeneDx
Classification: Likely benign. Last evaluated: 2021-03-04. Review status: criteria provided, single submitter. Criteria: GeneDx Variant Classification Process June 2021. Collection method: clinical testing. Allele origin: germline. Affected: yes.

Blueprint Genetics
Classification: Likely benign. Last evaluated: 2019-12-18. Review status: criteria provided, single submitter. Criteria: ACMG Guidelines, 2015. Collection method: clinical testing. Allele origin: germline.

Ambry Genetics
Classification: Likely benign for Familial thoracic aortic aneurysm and aortic dissection. Last evaluated: 2017-05-15. Review status: criteria provided, single submitter. Criteria: Ambry Variant Classification Scheme 2023. Collection method: clinical testing. Allele origin: germline.